The following is an entry in ClinVar:

ClinVar aggregate classification (germline): Likely benign. Review status: criteria provided, multiple submitters, no conflicts (2 of 4 stars). 2 submissions from 2 submitters: Likely benign (2). Last evaluated 2025-08-12.

Conditions:
Argininosuccinate lyase deficiency. Also called: Argininosuccinic aciduria; ARGININOSUCCINIC ACID LYASE DEFICIENCY; ASL DEFICIENCY. Identifiers: Orphanet 23, MedGen C0268547, MONDO:0008815, OMIM 207900, HP:0025630.

Allele frequency attached by ClinVar (database versions not stated): ExAC 0.00002; gnomAD exomes 0.00002; TOPMed 0.00002; gnomAD 0.00003 and 0.00004.
gnomAD v4.1: 35 of 1,613,382 alleles (0.0022%); highest among the groups gnomAD compares: African/African-American, 0.0027%; no homozygotes.

Submissions (2):

Labcorp Genetics (formerly Invitae), Labcorp
Classification: Likely benign for Argininosuccinate lyase deficiency. Last evaluated: 2025-08-12. Review status: criteria provided, single submitter. Criteria: Invitae Variant Classification Sherloc (09022015). Collection method: clinical testing. Allele origin: germline.

GeneDx
Classification: Likely benign. Last evaluated: 2018-03-07. Review status: criteria provided, single submitter. Criteria: GeneDx Variant Classification (06012015). Collection method: clinical testing. Allele origin: germline. Affected: yes.
Comment: This variant is considered likely benign or benign based on one or more of the following criteria: it is a conservative change, it occurs at a poorly conserved position in the protein, it is predicted to be benign by multiple in silico algorithms, and/or has population frequency not consistent with disease.

NM_000048.4(ASL):c.159G>A (p.Gly53=)

Gene: ASL (argininosuccinate lyase; plus strand). Cytogenetic location: 7q11.21.
Variant type: single nucleotide variant.
Coding change: c.159G>A on transcript NM_000048.4 (MANE Select); coding-DNA position 159, G replaced by A.
Protein change: p.Gly53=; no amino-acid change (glycine 53 retained).
Molecular consequence: synonymous variant.
Genome position (GRCh38, 1-based): chr7:66,081,949, G>A. VCF-style: chr7-66081949-G-A. GRCh37 (hg19) VCF-style: chr7-65546936-G-A.
Other names: c.159G>A, p.Gly53= (NM_001024943.2, NM_001024944.2, NM_001024946.2).
Identifiers: ClinVar variation 515755 (VCV000515755.10), dbSNP rs745883849, ClinGen allele CA4276835.
Genomic context (GRCh38, chr7:66,081,949, plus strand): 5'-CCTTTGGGAGGTGGATGTTCAAGGCAGCAAAGCCTACAGCAGGGGCCTGGAGAAGGCAGG[G>A]CTCCTCACCAAGGCCGAGATGGACCAGATACTCCATGGCCTAGACAAGGTACTTGCCGTG-3'
Protein context (NP_000039.2, residues 43-63): KAYSRGLEKA[Gly53=]LLTKAEMDQI